The following is an entry in ClinVar:

NM_000720.4(CACNA1D):c.1117-1G>A

Gene: CACNA1D (calcium voltage-gated channel subunit alpha1 D; plus strand). Cytogenetic location: 3p21.1.
Variant type: single nucleotide variant.
Coding change: c.1117-1G>A on transcript NM_000720.4 (MANE Plus Clinical); the canonical splice acceptor site of the intron before coding-DNA position 1117, G replaced by A.
Molecular consequence: splice acceptor variant. On other transcripts: intron variant (2).
Genome position (GRCh38, 1-based): chr3:53,673,712, G>A. VCF-style: chr3-53673712-G-A. GRCh37 (hg19) VCF-style: chr3-53707739-G-A.
Other names: c.1220+586G>A (NM_001128840.3, NM_001128839.3).
Identifiers: ClinVar variation 4850412 (VCV004850412.1).
Genomic context (GRCh38, chr3:53,673,712, plus strand): 5'-AACTGGGGCTCTGCTCTTTAGTAAATGGATAACTGATAACTGATCTCCTTACATTTTACA[G>A]GTAAATGATGCGATAGGATGGGAATGGCCATGGGTGTATTTTGTTAGTCTGATCATCCTT-3'

ClinVar aggregate classification (germline): Likely pathogenic (1 of 4 stars; one submission).

Conditions:
Sinoatrial node dysfunction and deafness (SANDD). Identifiers: Orphanet 324321, MedGen C3554018, MONDO:0013960, OMIM 614896.

Submission:

First Genomix Gene Laboratory, Genetic Diagnostics Department
Classification: Likely pathogenic for Sinoatrial node dysfunction and deafness. Last evaluated: 2025-09-19. Review status: criteria provided, single submitter. Criteria: ACMG Guidelines, 2015. Collection method: clinical testing. Allele origin: germline. Inheritance: Autosomal recessive inheritance. Affected: no. Observed: 1 variant allele.